The following is an entry in ClinVar:

ClinVar aggregate classification (germline): Uncertain significance (1 of 4 stars; one submission).

Conditions:
Autosomal dominant nonsyndromic hearing loss 1. Also called: DEAFNESS, AUTOSOMAL DOMINANT 1, WITH OR WITHOUT THROMBOCYTOPENIA; KONIGSMARK SYNDROME. Identifiers: Orphanet 90635, MedGen C1852282, MONDO:0007424, OMIM 124900.
Progressive microcephaly-seizures-cortical blindness-developmental delay syndrome. Also called: Seizures, cortical blindness, and microcephaly syndrome. Identifiers: Orphanet 477814, MedGen C5567650, MONDO:0014714, OMIM 616632.

Submission:

Labcorp Genetics (formerly Invitae), Labcorp
Classification: Uncertain significance for Progressive microcephaly-seizures-cortical blindness-developmental delay syndrome; Autosomal dominant nonsyndromic hearing loss 1. Last evaluated: 2021-10-11. Review status: criteria provided, single submitter. Criteria: Invitae Variant Classification Sherloc (09022015). Collection method: clinical testing. Allele origin: germline.
Comment: In summary, the available evidence is currently insufficient to determine the role of this variant in disease. Therefore, it has been classified as a Variant of Uncertain Significance. Algorithms developed to predict the effect of missense changes on protein structure and function are either unavailable or do not agree on the potential impact of this missense change (SIFT: "Tolerated"; PolyPhen-2: "Not Available"; Align-GVGD: "Class C0"). This variant has not been reported in the literature in individuals affected with DIAPH1-related conditions. This variant is not present in population databases (ExAC no frequency). This sequence change replaces threonine with isoleucine at codon 594 of the DIAPH1 protein (p.Thr594Ile). The threonine residue is weakly conserved and there is a moderate physicochemical difference between threonine and isoleucine.

NM_005219.5(DIAPH1):c.1781C>T (p.Thr594Ile)

Gene: DIAPH1 (diaphanous related formin 1; minus strand). Cytogenetic location: 5q31.3.
Variant type: single nucleotide variant.
Coding change: c.1781C>T on transcript NM_005219.5 (MANE Select); coding-DNA position 1781, C replaced by T.
Protein change: p.Thr594Ile; replaces threonine 594 with isoleucine.
Molecular consequence: missense variant.
Genome position (GRCh38, 1-based): chr5:141,574,069, G>A on the plus strand (C>T on the coding strand, the complement: DIAPH1 is on the minus strand). VCF-style: chr5-141574069-G-A. GRCh37 (hg19) VCF-style: chr5-140953636-G-A.
Other names: c.1754C>T, p.Thr585Ile (NM_001079812.3); c.1781C>T, p.Thr594Ile (NM_001314007.2); short protein forms T585I, T594I.
Identifiers: ClinVar variation 1480736 (VCV001480736.6), dbSNP rs1562321356, ClinGen allele CA361521248.